The following is an entry in ClinVar:

NM_031935.3(HMCN1):c.5716G>C (p.Glu1906Gln)

Gene: HMCN1 (hemicentin 1; plus strand). Cytogenetic location: 1q31.1.
Variant type: single nucleotide variant.
Coding change: c.5716G>C on transcript NM_031935.3 (MANE Select); coding-DNA position 5716, G replaced by C.
Protein change: p.Glu1906Gln; replaces glutamic acid 1906 with glutamine.
Molecular consequence: missense variant.
Genome position (GRCh38, 1-based): chr1:186,023,120, G>C. VCF-style: chr1-186023120-G-C. GRCh37 (hg19) VCF-style: chr1-185992252-G-C.
Other names: short protein forms E1906Q.
Identifiers: ClinVar variation 2096502 (VCV002096502.4), dbSNP rs2527563579, ClinGen allele CA343895395.
Genomic context (GRCh38, chr1:186,023,120, plus strand): 5'-GCCAAAACCCTGTTGGAAGATGCTGGCAGATACACATGTGTGGCTACCAACGCAGCTGGA[G>C]AAACACAACAGCACATTCAACTGCATGTTCATGGTAATGTAATTTCTACACCTTAACAAA-3'
Protein context (NP_114141.2, residues 1896-1916): YTCVATNAAG[Glu1906Gln]TQQHIQLHVH

ClinVar aggregate classification (germline): Uncertain significance (1 of 4 stars; one submission).

gnomAD v4.1: 1 of 1,613,326 alleles (0.000062%); no homozygotes.

Submission:

Labcorp Genetics (formerly Invitae), Labcorp
Classification: Uncertain significance. Last evaluated: 2022-02-11. Review status: criteria provided, single submitter. Criteria: Invitae Variant Classification Sherloc (09022015). Collection method: clinical testing. Allele origin: germline.
Comment: In summary, the available evidence is currently insufficient to determine the role of this variant in disease. Therefore, it has been classified as a Variant of Uncertain Significance. Algorithms developed to predict the effect of missense changes on protein structure and function are either unavailable or do not agree on the potential impact of this missense change (SIFT: "Deleterious"; PolyPhen-2: "Possibly Damaging"; Align-GVGD: "Class C0"). This variant has not been reported in the literature in individuals affected with HMCN1-related conditions. This variant is not present in population databases (gnomAD no frequency). This sequence change replaces glutamic acid, which is acidic and polar, with glutamine, which is neutral and polar, at codon 1906 of the HMCN1 protein (p.Glu1906Gln).